The following is an entry in ClinVar:

NM_016292.3(TRAP1):c.144C>G (p.Asn48Lys)

Gene: TRAP1 (TNF receptor associated protein 1; minus strand). Cytogenetic location: 16p13.3.
Variant type: single nucleotide variant.
Coding change: c.144C>G on transcript NM_016292.3 (MANE Select); coding-DNA position 144, C replaced by G.
Protein change: p.Asn48Lys; replaces asparagine 48 with lysine.
Molecular consequence: missense variant. On other transcripts: intron variant (1).
Genome position (GRCh38, 1-based): chr16:3,690,930, G>C on the plus strand (C>G on the coding strand, the complement: TRAP1 is on the minus strand). VCF-style: chr16-3690930-G-C. GRCh37 (hg19) VCF-style: chr16-3740931-G-C.
Other names: c.89-1793C>G (NM_001272049.2); short protein forms N48K.
Identifiers: ClinVar variation 1991915 (VCV001991915.4), dbSNP rs745842092, ClinGen allele CA7868845.

ClinVar aggregate classification (germline): Uncertain significance (1 of 4 stars; one submission).

Allele frequency attached by ClinVar (database versions not stated): gnomAD 0.00003; ExAC 0.00005; TOPMed 0.00007.
gnomAD v4.1: 18 of 1,588,858 alleles (0.0011%); highest among the groups gnomAD compares: Admixed American, 0.016%; no homozygotes.

Submission:

Labcorp Genetics (formerly Invitae), Labcorp
Classification: Uncertain significance. Last evaluated: 2023-05-08. Review status: criteria provided, single submitter. Criteria: Invitae Variant Classification Sherloc (09022015). Collection method: clinical testing. Allele origin: germline.
Comment: ClinVar contains an entry for this variant (Variation ID: 1991915). This sequence change replaces asparagine, which is neutral and polar, with lysine, which is basic and polar, at codon 48 of the TRAP1 protein (p.Asn48Lys). This variant is present in population databases (rs745842092, gnomAD 0.03%). This variant has not been reported in the literature in individuals affected with TRAP1-related conditions. Algorithms developed to predict the effect of missense changes on protein structure and function output the following: SIFT: "Not Available"; PolyPhen-2: "Benign"; Align-GVGD: "Not Available". The lysine amino acid residue is found in multiple mammalian species, which suggests that this missense change does not adversely affect protein function. In summary, the available evidence is currently insufficient to determine the role of this variant in disease. Therefore, it has been classified as a Variant of Uncertain Significance.